The following is an entry in ClinVar:

ClinVar aggregate classification (germline): Uncertain significance. Review status: criteria provided, multiple submitters, no conflicts (2 of 4 stars). 5 submissions from 5 submitters: Uncertain significance (5). Last evaluated 2025-02-18.

Conditions:
Hereditary cancer-predisposing syndrome. Also called: Hereditary neoplastic syndrome; Hereditary Cancer Syndrome; Tumor predisposition; Neoplastic Syndromes, Hereditary. Identifiers: Orphanet 140162, MedGen C0027672, MeSH D009386, MONDO:0015356.
Familial cancer of breast. Also called: hereditary breast carcinoma; Hereditary breast cancer; BREAST CANCER, FAMILIAL. Identifiers: Orphanet 227535, MedGen C0346153, MONDO:0016419, OMIM 114480. Disease mechanism: loss of function.
Hereditary breast ovarian cancer syndrome. Also called: Breast and ovarian cancer; Hereditary breast and ovarian cancer; BRCA1- and BRCA2-Associated Hereditary Breast and Ovarian Cancer; Hereditary breast and/or ovarian cancer syndrome; Hereditary breast and ovarian cancer syndrome; Hereditary breast and ovarian cancer syndrome (HBOC). Identifiers: Orphanet 145, MedGen C0677776, MeSH D061325, MONDO:0003582. Disease mechanism: loss of function.

Allele frequency attached by ClinVar (database versions not stated): gnomAD 0.00001.
gnomAD v4.1: 1 of 1,613,990 alleles (0.000062%); highest among the groups gnomAD compares: African/African-American, 0.0013%; no homozygotes.

Submissions (5):

Labcorp Genetics (formerly Invitae), Labcorp
Classification: Uncertain significance for Hereditary breast ovarian cancer syndrome. Last evaluated: 2025-02-18. Review status: criteria provided, single submitter. Criteria: Invitae Variant Classification Sherloc (09022015). Collection method: clinical testing. Allele origin: germline.
Comment: This sequence change replaces glycine, which is neutral and non-polar, with glutamic acid, which is acidic and polar, at codon 2724 of the BRCA2 protein (p.Gly2724Glu). This variant is present in population databases (no rsID available, gnomAD 0.01%). This variant has not been reported in the literature in individuals affected with BRCA2-related conditions. ClinVar contains an entry for this variant (Variation ID: 439010). Invitae Evidence Modeling of protein sequence and biophysical properties (such as structural, functional, and spatial information, amino acid conservation, physicochemical variation, residue mobility, and thermodynamic stability) has been performed for this missense variant. However, the output from this modeling did not meet the statistical confidence thresholds required to predict the impact of this variant on BRCA2 protein function. This variant disrupts the p.Gly2724 amino acid residue in BRCA2. Other variant(s) that disrupt this residue have been determined to be pathogenic (external communication, internal data). This suggests that this residue is clinically significant, and that variants that disrupt this residue are likely to be disease-causing. In summary, the available evidence is currently insufficient to determine the role of this variant in disease. Therefore, it has been classified as a Variant of Uncertain Significance.

Baylor Genetics
Classification: Uncertain significance for Familial cancer of breast. Last evaluated: 2023-10-03. Review status: criteria provided, single submitter. Criteria: ACMG Guidelines, 2015. Collection method: clinical testing. Allele origin: unknown.

Ambry Genetics
Classification: Uncertain significance for Hereditary cancer-predisposing syndrome. Last evaluated: 2023-04-12. Review status: criteria provided, single submitter. Criteria: Ambry Variant Classification Scheme 2023. Collection method: clinical testing. Allele origin: germline.
Comment: The p.G2724E variant (also known as c.8171G>A), located in coding exon 17 of the BRCA2 gene, results from a G to A substitution at nucleotide position 8171. The glycine at codon 2724 is replaced by glutamic acid, an amino acid with similar properties. This amino acid position is highly conserved in available vertebrate species. In addition, this alteration is predicted to be deleterious by in silico analysis. Since supporting evidence is limited at this time, the clinical significance of this alteration remains unclear.

Quest Diagnostics Nichols Institute San Juan Capistrano
Classification: Uncertain significance. Last evaluated: 2019-09-21. Review status: criteria provided, single submitter. Criteria: Quest Diagnostics criteria. Collection method: clinical testing. Allele origin: unknown.

Color Diagnostics, LLC DBA Color Health
Classification: Uncertain significance for Hereditary cancer-predisposing syndrome. Last evaluated: 2019-04-26. Review status: criteria provided, single submitter. Criteria: ACMG Guidelines, 2015. Collection method: clinical testing. Allele origin: germline.

NM_000059.4(BRCA2):c.8171G>A (p.Gly2724Glu)

Gene: BRCA2 (BRCA2 DNA repair associated; plus strand). Cytogenetic location: 13q13.1.
Variant type: single nucleotide variant.
Coding change: c.8171G>A on transcript NM_000059.4 (MANE Select); coding-DNA position 8171, G replaced by A.
Protein change: p.Gly2724Glu; replaces glycine 2724 with glutamic acid.
Molecular consequence: missense variant.
Genome position (GRCh38, 1-based): chr13:32,363,373, G>A. VCF-style: chr13-32363373-G-A. GRCh37 (hg19) VCF-style: chr13-32937510-G-A.
Other names: short protein forms G2724E.
Identifiers: ClinVar variation 439010 (VCV000439010.17), dbSNP rs80359063, ClinGen allele CA387749602.